The following is an entry in ClinVar:

ClinVar aggregate classification (germline): Likely pathogenic (1 of 4 stars; one submission).

Submission:

GeneDx
Classification: Likely pathogenic. Last evaluated: 2024-05-15. Review status: criteria provided, single submitter. Criteria: GeneDx Variant Classification Process June 2021. Collection method: clinical testing. Allele origin: germline.
Comment: Not observed at significant frequency in large population cohorts (gnomAD); In silico analysis supports that this missense variant has a deleterious effect on protein structure/function; Has not been previously published as pathogenic or benign to our knowledge

NM_001379081.2(FREM1):c.3535C>A (p.Pro1179Thr)

Gene: FREM1 (FRAS1 related extracellular matrix 1; minus strand). Cytogenetic location: 9p22.3.
Variant type: single nucleotide variant.
Coding change: c.3535C>A on transcript NM_001379081.2 (MANE Select); coding-DNA position 3535, C replaced by A.
Protein change: p.Pro1179Thr; replaces proline 1179 with threonine.
Molecular consequence: missense variant. On other transcripts: non-coding transcript variant (2).
Genome position (GRCh38, 1-based): chr9:14,801,811, G>T on the plus strand (C>A on the coding strand, the complement: FREM1 is on the minus strand). VCF-style: chr9-14801811-G-T. GRCh37 (hg19) VCF-style: chr9-14801809-G-T.
Other names: c.3535C>A, p.Pro1179Thr (NM_144966.7); short protein forms P1179T.
Identifiers: ClinVar variation 2662884 (VCV002662884.2), dbSNP rs1381393162, ClinGen allele CA372967861.